The following is an entry in ClinVar:

NM_006015.6(ARID1A):c.2139A>G (p.Pro713=)

Gene: ARID1A (AT-rich interaction domain 1A; plus strand). Cytogenetic location: 1p36.11.
Variant type: single nucleotide variant.
Coding change: c.2139A>G on transcript NM_006015.6 (MANE Select); coding-DNA position 2139, A replaced by G.
Protein change: p.Pro713=; no amino-acid change (proline 713 retained).
Molecular consequence: synonymous variant.
Genome position (GRCh38, 1-based): chr1:26,761,074, A>G. VCF-style: chr1-26761074-A-G. GRCh37 (hg19) VCF-style: chr1-27087565-A-G.
Other names: c.2139A>G (LRG_875t1); c.2139A>G, p.Pro713= (NM_139135.4).
Identifiers: ClinVar variation 434320 (VCV000434320.21), dbSNP rs779283100, ClinGen allele CA706910.

ClinVar aggregate classification (germline): Benign/Likely benign. Review status: criteria provided, multiple submitters, no conflicts (2 of 4 stars). 5 submissions from 5 submitters: Benign (2); Likely benign (3). Last evaluated 2026-07-01.

Conditions:
Intellectual disability, autosomal dominant 14 (CSS2). Also called: COFFIN-SIRIS SYNDROME 2. Identifiers: Orphanet 1465, MedGen C3553247, MONDO:0013819, OMIM 614607.

Allele frequency attached by ClinVar (database versions not stated): TOPMed 0.00009; ExAC 0.00012; gnomAD exomes 0.00016; gnomAD 0.00022 and 0.00023.
gnomAD v4.1: 129 of 1,613,504 alleles (0.008%); highest among the groups gnomAD compares: Admixed American, 0.11%; no homozygotes.

Submissions (5):

CeGaT Center for Human Genetics Tuebingen
Classification: Likely benign. Last evaluated: 2026-07-01. Review status: criteria provided, single submitter. Criteria: CeGaT Center For Human Genetics Tuebingen Variant Classification Criteria Version 2. Collection method: clinical testing. Allele origin: germline. Affected: yes. Observed: 2 variant alleles.
Comment: ARID1A: BP4, BP7

Labcorp Genetics (formerly Invitae), Labcorp
Classification: Likely benign. Last evaluated: 2025-12-05. Review status: criteria provided, single submitter. Criteria: Invitae Variant Classification Sherloc (09022015). Collection method: clinical testing. Allele origin: germline.

Genome-Nilou Lab
Classification: Benign for Intellectual disability, autosomal dominant 14. Last evaluated: 2021-12-05. Review status: criteria provided, single submitter. Criteria: ACMG Guidelines, 2015. Collection method: clinical testing. Allele origin: germline. Affected: no.

GeneDx
Classification: Benign. Last evaluated: 2021-01-06. Review status: criteria provided, single submitter. Criteria: GeneDx Variant Classification Process June 2021. Collection method: clinical testing. Allele origin: germline. Affected: yes.

Genetic Services Laboratory, University of Chicago
Classification: Likely benign. Last evaluated: 2016-04-12. Review status: criteria provided, single submitter. Criteria: ACMG Guidelines, 2015. Collection method: clinical testing. Allele origin: germline. Affected: no.